The following is an entry in ClinVar:

ClinVar aggregate classification (germline): Uncertain significance (1 of 4 stars; one submission).

Allele frequency attached by ClinVar (database versions not stated): ExAC 0.00001; gnomAD 0.00001.
gnomAD v4.1: 40 of 1,613,904 alleles (0.0025%); highest among the groups gnomAD compares: Non-Finnish European, 0.0031%; no homozygotes.

Submission:

Labcorp Genetics (formerly Invitae), Labcorp
Classification: Uncertain significance. Last evaluated: 2022-11-10. Review status: criteria provided, single submitter. Criteria: Invitae Variant Classification Sherloc (09022015). Collection method: clinical testing. Allele origin: germline.
Comment: This sequence change replaces proline, which is neutral and non-polar, with leucine, which is neutral and non-polar, at codon 23 of the RFWD3 protein (p.Pro23Leu). This variant is present in population databases (rs367986631, gnomAD 0.0009%). This variant has not been reported in the literature in individuals affected with RFWD3-related conditions. Algorithms developed to predict the effect of missense changes on protein structure and function are either unavailable or do not agree on the potential impact of this missense change (SIFT: "Deleterious"; PolyPhen-2: "Benign"; Align-GVGD: "Class C0"). In summary, the available evidence is currently insufficient to determine the role of this variant in disease. Therefore, it has been classified as a Variant of Uncertain Significance.

NM_018124.4(RFWD3):c.68C>T (p.Pro23Leu)

Gene: RFWD3 (ring finger and WD repeat domain 3; minus strand). Cytogenetic location: 16q23.1.
Variant type: single nucleotide variant.
Coding change: c.68C>T on transcript NM_018124.4 (MANE Select); coding-DNA position 68, C replaced by T.
Protein change: p.Pro23Leu; replaces proline 23 with leucine.
Molecular consequence: missense variant. On other transcripts: 5 prime UTR variant (4), intron variant (1).
Genome position (GRCh38, 1-based): chr16:74,661,382, G>A on the plus strand (C>T on the coding strand, the complement: RFWD3 is on the minus strand). VCF-style: chr16-74661382-G-A. GRCh37 (hg19) VCF-style: chr16-74695280-G-A.
Other names: c.68C>T, p.Pro23Leu (NM_001370534.1, NM_001370535.1, NM_001370536.1); c.-941C>T (NM_001370537.1); c.-564C>T (NM_001370539.1, NM_001370541.1); c.-818C>T (NM_001370542.1); c.-696C>T (NM_001370543.1); c.-317+3242C>T (NM_001370540.1); short protein forms P23L.
Identifiers: ClinVar variation 2904887 (VCV002904887.3), dbSNP rs367986631, ClinGen allele CA8169660.